The following is an entry in ClinVar:

NM_001127178.3(PIGG):c.2613C>T (p.Gly871=)

Gene: PIGG (phosphatidylinositol glycan anchor biosynthesis class G (EMM blood group); plus strand). Cytogenetic location: 4p16.3.
Variant type: single nucleotide variant.
Coding change: c.2613C>T on transcript NM_001127178.3 (MANE Select); coding-DNA position 2613, C replaced by T.
Protein change: p.Gly871=; no amino-acid change (glycine 871 retained).
Molecular consequence: synonymous variant. On other transcripts: non-coding transcript variant (10).
Genome position (GRCh38, 1-based): chr4:533,859, C>T. VCF-style: chr4-533859-C-T. GRCh37 (hg19) VCF-style: chr4-527648-C-T.
Other names: c.2346C>T, p.Gly782= (NM_001289051.2, NM_001345986.2); c.2214C>T, p.Gly738= (NM_001289052.2); c.2322C>T, p.Gly774= (NM_001345987.2); c.1584C>T, p.Gly528= (NM_001345988.2); c.1080C>T, p.Gly360= (NM_001345990.2, NM_001345991.2); c.1515C>T, p.Gly505= (NM_001345994.2); c.2589C>T, p.Gly863= (NM_017733.5).
Identifiers: ClinVar variation 2011197 (VCV002011197.4), dbSNP rs2475106523, ClinGen allele CA437897549.
Genomic context (GRCh38, chr4:533,859, plus strand): 5'-CTCTTCTCCTGTATTCCAGGGCAACTCCAACAACATTGCCACCGTGGACATCTCCGCAGG[C>T]TTCGTGGGCTTAGACACCTACGTGGAAATCCCAGCCGTGCTCCTGACAGCGTTTGGGACG-3'
Protein context (NP_001120650.1, residues 861-881): NNIATVDISA[Gly871=]FVGLDTYVEI

ClinVar aggregate classification (germline): Uncertain significance (1 of 4 stars; one submission).

Conditions:
Intellectual disability, autosomal recessive 53 (NEDHSCA). Also called: NEURODEVELOPMENTAL DISORDER WITH OR WITHOUT HYPOTONIA, SEIZURES, AND CEREBELLAR ATROPHY; GLYCOSYLPHOSPHATIDYLINOSITOL BIOSYNTHESIS DEFECT 13; Mental retardation, autosomal recessive 53. Identifiers: Orphanet 488635, MedGen C4310794, MONDO:0014832, OMIM 616917.

Submission:

Labcorp Genetics (formerly Invitae), Labcorp
Classification: Uncertain significance for Intellectual disability, autosomal recessive 53. Last evaluated: 2022-11-22. Review status: criteria provided, single submitter. Criteria: Invitae Variant Classification Sherloc (09022015). Collection method: clinical testing. Allele origin: germline.
Comment: In summary, the available evidence is currently insufficient to determine the role of this variant in disease. Therefore, it has been classified as a Variant of Uncertain Significance. Algorithms developed to predict the effect of sequence changes on RNA splicing suggest that this variant may create or strengthen a splice site. This variant has not been reported in the literature in individuals affected with PIGG-related conditions. This variant is not present in population databases (gnomAD no frequency). This sequence change affects codon 871 of the PIGG mRNA. It is a 'silent' change, meaning that it does not change the encoded amino acid sequence of the PIGG protein.